The following is an entry in ClinVar:

NM_007294.4(BRCA1):c.2043T>G (p.Ser681Arg)

Gene: BRCA1 (BRCA1 DNA repair associated; minus strand). Cytogenetic location: 17q21.31.
Variant type: single nucleotide variant.
Coding change: c.2043T>G on transcript NM_007294.4 (MANE Select); coding-DNA position 2043, T replaced by G.
Protein change: p.Ser681Arg; replaces serine 681 with arginine.
Molecular consequence: missense variant. On other transcripts: intron variant (137).
Genome position (GRCh38, 1-based): chr17:43,093,488, A>C on the plus strand (T>G on the coding strand, the complement: BRCA1 is on the minus strand). VCF-style: chr17-43093488-A-C. GRCh37 (hg19) VCF-style: chr17-41245505-A-C.
Other names: c.1833T>G, p.Ser611Arg (NM_001407889.1, NM_001407900.1, NM_001407902.1 and 13 more transcripts); c.1830T>G, p.Ser610Arg (NM_001407894.1, NM_001407895.1, NM_001407896.1 and 9 more transcripts); c.1920T>G, p.Ser640Arg (NM_001407919.1, NM_001407937.1, NM_001407938.1 and 19 more transcripts); c.1779T>G, p.Ser593Arg (NM_001407920.1, NM_001407921.1, NM_001407922.1 and 9 more transcripts); c.1776T>G, p.Ser592Arg (NM_001407930.1, NM_001407931.1, NM_001407932.1 and 2 more transcripts); c.1917T>G, p.Ser639Arg (NM_001407940.1, NM_001407941.1, NM_001407649.1 and 11 more transcripts); c.1902T>G, p.Ser634Arg (NM_001407942.1, NM_001407944.1, NM_001407945.1 and 29 more transcripts); c.1899T>G, p.Ser633Arg (NM_001407943.1, NM_001407964.1, NM_001407740.1 and 20 more transcripts); and 40 more; short protein forms S681R, S634R, S553R, S554R, S593R, S633R, S655R, S678R.
Identifiers: ClinVar variation 230089 (VCV000230089.22), dbSNP rs143920945, ClinGen allele CA10580638.

ClinVar aggregate classification (germline): Conflicting classifications of pathogenicity. Review status: criteria provided, conflicting classifications (1 of 4 stars). 5 submissions from 5 submitters: Uncertain significance (3); Likely benign (2). Last evaluated 2025-09-09.

Conditions:
Hereditary cancer-predisposing syndrome. Also called: Hereditary neoplastic syndrome; Hereditary Cancer Syndrome; Neoplastic Syndromes, Hereditary; Tumor predisposition. Identifiers: Orphanet 140162, MedGen C0027672, MeSH D009386, MONDO:0015356.
Hereditary breast ovarian cancer syndrome. Also called: Hereditary breast and ovarian cancer syndrome; Hereditary breast and ovarian cancer syndrome (HBOC); Breast and ovarian cancer; Hereditary breast and/or ovarian cancer syndrome; Hereditary breast and ovarian cancer; BRCA1- and BRCA2-Associated Hereditary Breast and Ovarian Cancer. Identifiers: Orphanet 145, MedGen C0677776, MeSH D061325, MONDO:0003582. Disease mechanism: loss of function.

Allele frequency attached by ClinVar (database versions not stated): gnomAD 0.00001; TOPMed 0.00001; ESP Exome Variant Server 0.00008.
gnomAD v4.1: 1 of 1,613,626 alleles (0.000062%); highest among the groups gnomAD compares: African/African-American, 0.0013%; no homozygotes.

Submissions (5):

Labcorp Genetics (formerly Invitae), Labcorp
Classification: Uncertain significance for Hereditary breast ovarian cancer syndrome. Last evaluated: 2025-09-09. Review status: criteria provided, single submitter. Criteria: Invitae Variant Classification Sherloc (09022015). Collection method: clinical testing. Allele origin: germline.
Comment: This sequence change replaces serine, which is neutral and polar, with arginine, which is basic and polar, at codon 681 of the BRCA1 protein (p.Ser681Arg). This variant is not present in population databases (gnomAD no frequency). This missense change has been observed in individual(s) with breast cancer (PMID: 26287763). ClinVar contains an entry for this variant (Variation ID: 230089). Invitae Evidence Modeling of protein sequence and biophysical properties (such as structural, functional, and spatial information, amino acid conservation, physicochemical variation, residue mobility, and thermodynamic stability) indicates that this missense variant is not expected to disrupt BRCA1 protein function with a negative predictive value of 80%. In summary, the available evidence is currently insufficient to determine the role of this variant in disease. Therefore, it has been classified as a Variant of Uncertain Significance.

Women's Health and Genetics/Laboratory Corporation of America, LabCorp
Classification: Uncertain significance. Last evaluated: 2023-08-23. Review status: criteria provided, single submitter. Criteria: LabCorp Variant Classification Summary - May 2015. Collection method: clinical testing. Allele origin: germline.
Comment: Variant summary: BRCA1 c.2043T>G (p.Ser681Arg) results in a non-conservative amino acid change in the encoded protein sequence. Four of five in-silico tools predict a benign effect of the variant on protein function. The variant was absent in 251312 control chromosomes (gnomAD). The available data on variant occurrences in the general population are insufficient to allow any conclusion about variant significance. c.2043T>G has been reported in the literature in individuals affected with breast cancer (e.g. Pal_2015, Vidula_2020). These reports do not provide unequivocal conclusions about association of the variant with Hereditary Breast And Ovarian Cancer Syndrome. To our knowledge, no experimental evidence demonstrating an impact on protein function has been reported. The following publications have been ascertained in the context of this evaluation (PMID: 26287763, 32571788). Four submitters have cited clinical-significance assessments for this variant to ClinVar after 2014. Multiple submitters reported the variant with conflicting assessments: two classified the variant as uncertain significance, and two classified the variant as likely benign. Based on the evidence outlined above, the variant was classified as uncertain significance.

Ambry Genetics
Classification: Uncertain significance for Hereditary cancer-predisposing syndrome. Last evaluated: 2023-06-14. Review status: criteria provided, single submitter. Criteria: Ambry Variant Classification Scheme 2023. Collection method: clinical testing. Allele origin: germline.
Comment: The p.S681R variant (also known as c.2043T>G), located in coding exon 9 of the BRCA1 gene, results from a T to G substitution at nucleotide position 2043. The serine at codon 681 is replaced by arginine, an amino acid with dissimilar properties. This amino acid position is poorly conserved in available vertebrate species. In addition, the in silico prediction for this alteration is inconclusive. Since supporting evidence is limited at this time, the clinical significance of this alteration remains unclear.

University of Washington Department of Laboratory Medicine, University of Washington
Classification: Likely benign for Hereditary cancer-predisposing syndrome. Last evaluated: 2023-03-23. Review status: criteria provided, single submitter. Criteria: Dines et al. (Genet Med. 2020). Collection method: curation. Allele origin: germline.
Comment: Missense variant in a coldspot region where missense variants are very unlikely to be pathogenic (PMID:31911673).

BRCA1 coldspot (exon 11 using historical exon numbering). Reclassification based on statistical prior probability

Color Diagnostics, LLC DBA Color Health
Classification: Likely benign for Hereditary cancer-predisposing syndrome. Last evaluated: 2017-04-26. Review status: criteria provided, single submitter. Criteria: ACMG Guidelines, 2015. Collection method: clinical testing. Allele origin: germline.

Literature cited by the submitters: PubMed 26287763 (cited by Labcorp Genetics (formerly Invitae), Labcorp and Women's Health and Genetics/Laboratory Corporation of America, LabCorp); PubMed 32571788 (cited by Women's Health and Genetics/Laboratory Corporation of America, LabCorp).